The following is an entry in ClinVar:

NM_000228.3(LAMB3):c.453C>T (p.Ala151=)

Gene: LAMB3 (laminin subunit beta 3; minus strand). Cytogenetic location: 1q32.2.
Variant type: single nucleotide variant.
Coding change: c.453C>T on transcript NM_000228.3 (MANE Select); coding-DNA position 453, C replaced by T.
Protein change: p.Ala151=; no amino-acid change (alanine 151 retained).
Molecular consequence: synonymous variant.
Genome position (GRCh38, 1-based): chr1:209,634,558, G>A on the plus strand (C>T on the coding strand, the complement: LAMB3 is on the minus strand). VCF-style: chr1-209634558-G-A. GRCh37 (hg19) VCF-style: chr1-209807903-G-A.
Other names: c.453C>T, p.Ala151= (NM_001017402.2, NM_001127641.1).
Identifiers: ClinVar variation 762379 (VCV000762379.10), dbSNP rs369986809, ClinGen allele CA1375965.
Genomic context (GRCh38, chr1:209,634,558, plus strand): 5'-AACATCCTGCCAGCTCTGAGGCCGACCCTGGCGGACCCGAGGGAAGGTGGAGGTGCAGTC[G>A]GCAGCCAGGTACTGGTACACTCGCCAGGTCTTACCGAAGTCTGAGGAGCGCTCAATCAGC-3'
Protein context (NP_000219.2, residues 141-161): KTWRVYQYLA[Ala151=]DCTSTFPRVR

ClinVar aggregate classification (germline): Likely benign. Review status: criteria provided, single submitter (1 of 4 stars). 2 submissions from 2 submitters: Likely benign (1). 1 of the submissions does not count toward it. Last evaluated 2023-04-25.

Conditions:
LAMB3-related disorder. Also called: LAMB3-related condition.

Allele frequency attached by ClinVar (database versions not stated): ExAC 0.00001; gnomAD exomes 0.00001; gnomAD 0.00002; TOPMed 0.00004; ESP Exome Variant Server 0.00008.
gnomAD v4.1: 12 of 1,614,008 alleles (0.00074%); highest among the groups gnomAD compares: African/African-American, 0.011%; no homozygotes.

Submissions (2):

Labcorp Genetics (formerly Invitae), Labcorp
Classification: Likely benign. Last evaluated: 2023-04-25. Review status: criteria provided, single submitter. Criteria: Invitae Variant Classification Sherloc (09022015). Collection method: clinical testing. Allele origin: germline.

PreventionGenetics, part of Exact Sciences
Classification: Likely benign for LAMB3-related condition. Last evaluated: 2022-04-28. Review status: no assertion criteria provided. Collection method: clinical testing. Allele origin: germline. Not counted in ClinVar's aggregate classification.
Comment: This variant is classified as likely benign based on ACMG/AMP sequence variant interpretation guidelines (Richards et al. 2015 PMID: 25741868, with internal and published modifications).